The following is an entry in ClinVar:

ClinVar aggregate classification (germline): Uncertain significance (1 of 4 stars; one submission).

Conditions:
INPP5E-related disorder. Also called: INPP5E-related condition.

gnomAD v4.1: 1 of 1,465,052 alleles (0.000068%); highest among the groups gnomAD compares: South Asian, 0.0013%; no homozygotes.

Submission:

PreventionGenetics, part of Exact Sciences
Classification: Uncertain significance for INPP5E-related condition. Last evaluated: 2025-02-11. Review status: criteria provided, single submitter. Criteria: ACMG Guidelines, 2015. Collection method: clinical testing. Allele origin: germline.
Comment: The INPP5E c.25C>T variant is predicted to result in the amino acid substitution p.Arg9Trp. To our knowledge, this variant has not been reported in the literature or in a large population database (gnomAD), indicating this variant is rare. At this time, the clinical significance of this variant is uncertain due to the absence of conclusive functional and genetic evidence.

NM_019892.6(INPP5E):c.25C>T (p.Arg9Trp)

Gene: INPP5E (inositol polyphosphate-5-phosphatase E; minus strand). Cytogenetic location: 9q34.3.
Variant type: single nucleotide variant.
Coding change: c.25C>T on transcript NM_019892.6 (MANE Select); coding-DNA position 25, C replaced by T.
Protein change: p.Arg9Trp; replaces arginine 9 with tryptophan.
Molecular consequence: missense variant.
Genome position (GRCh38, 1-based): chr9:136,439,395, G>A on the plus strand (C>T on the coding strand, the complement: INPP5E is on the minus strand). VCF-style: chr9-136439395-G-A. GRCh37 (hg19) VCF-style: chr9-139333847-G-A.
Other names: c.25C>T, p.Arg9Trp (NM_001318502.2); short protein forms R9W.
Identifiers: ClinVar variation 4998272 (VCV004998272.1).
Genomic context (GRCh38, chr9:136,439,395, plus strand): 5'-CGGGAAGCTGTCCTTGGAGCGTCCTCCCTTCCGGCGGCTGCGGGGCCGGCTCGGAGGGCC[G>A]CAGATTCTCCGCCTTGGACGGCATGGACGGTCTCTCCCGGGGCAGGCCTCGGCGCGAGGC-3'
Protein context (NP_063945.2, residues 1-19): MPSKAENL[Arg9Trp]PSEPAPQPPE